The following is an entry in ClinVar:

NM_004006.3(DMD):c.1261C>T (p.Gln421Ter)

Gene: DMD (dystrophin; minus strand). Cytogenetic location: Xp21.1.
Variant type: single nucleotide variant.
Coding change: c.1261C>T on transcript NM_004006.3 (MANE Select); coding-DNA position 1261, C replaced by T.
Protein change: p.Gln421Ter; replaces glutamine 421 with a stop codon.
Molecular consequence: nonsense.
Genome position (GRCh38, 1-based): chrX:32,644,202, G>A on the plus strand (C>T on the coding strand, the complement: DMD is on the minus strand). VCF-style: chrX-32644202-G-A. GRCh37 (hg19) VCF-style: chrX-32662319-G-A.
Other names: NP_003997.1:p.Gln421*; c.1237C>T, p.Gln413Ter (NM_000109.4); c.1249C>T, p.Gln417Ter (NM_004009.3); c.892C>T, p.Gln298Ter (NM_004010.3); short protein forms Q421*, Q298*, Q417*, Q413*.
Identifiers: ClinVar variation 94454 (VCV000094454.18), dbSNP rs398123852, ClinGen allele CA266876.
Genomic context (GRCh38, chrX:32,644,202, plus strand): 5'-TTTCCATGCTAGCTACCCTGAGGCATTCCCATCTTGAATTTAGGAGATTCATCTGCTCTT[G>A]TACTTCAGTTTCTTCATCTTCTGATAATTTTCCTGTTCCAATCAGCTTACTTCCCAATTG-3'

ClinVar aggregate classification (germline): Pathogenic. Review status: criteria provided, multiple submitters, no conflicts (2 of 4 stars). 4 submissions from 4 submitters: Pathogenic (4). Last evaluated 2025-07-14.

Conditions:
Neuromuscular disease caused by qualitative or quantitative defects of dystrophin. Also called: Qualitative or quantitative defects of dystrophin. Identifiers: Orphanet 207085, MedGen C5679787, MONDO:0016147.
Duchenne muscular dystrophy (DMD). Also called: Duchenne Muscular Dystrophy (DMD); MUSCULAR DYSTROPHY, PSEUDOHYPERTROPHIC PROGRESSIVE, DUCHENNE TYPE. Identifiers: Orphanet 98896, MedGen C0013264, MONDO:0010679, OMIM 310200.

Submissions (4):

Women's Health and Genetics/Laboratory Corporation of America, LabCorp
Classification: Pathogenic for Neuromuscular disease caused by qualitative or quantitative defects of dystrophin. Last evaluated: 2025-07-14. Review status: criteria provided, single submitter. Criteria: LabCorp Variant Classification Summary - May 2015. Collection method: clinical testing. Allele origin: germline.
Comment: Variant summary: DMD c.1261C>T (p.Gln421X) results in a premature termination codon, predicted to cause a truncation of the encoded protein or absence of the protein due to nonsense mediated decay, which are commonly known mechanisms for disease. The variant was absent in 182995 control chromosomes. c.1261C>T has been observed in individual(s) affected with Dystrophinopathies (example: Toksoy_2019). The following publication has been ascertained in the context of this evaluation (PMID: 31443951). ClinVar contains an entry for this variant (Variation ID: 94454). Based on the evidence outlined above, the variant was classified as pathogenic.

Labcorp Genetics (formerly Invitae), Labcorp
Classification: Pathogenic for Duchenne muscular dystrophy. Last evaluated: 2025-05-05. Review status: criteria provided, single submitter. Criteria: Invitae Variant Classification Sherloc (09022015). Collection method: clinical testing. Allele origin: germline.
Comment: This sequence change creates a premature translational stop signal (p.Gln421*) in the DMD gene. It is expected to result in an absent or disrupted protein product. Loss-of-function variants in DMD are known to be pathogenic (PMID: 16770791, 25007885). This variant is not present in population databases (gnomAD no frequency). This premature translational stop signal has been observed in individual(s) with Duchenne muscular dystrophy (PMID: 16770791, 17726484). Invitae Evidence Modeling of clinical and family history, age, sex, and reported ancestry of multiple individuals with this DMD variant has been performed. This variant is expected to be pathogenic with a positive predictive value of at least 99%. This is a validated machine learning model that incorporates the clinical features of 600,801 individuals referred to our laboratory for DMD testing. ClinVar contains an entry for this variant (Variation ID: 94454). For these reasons, this variant has been classified as Pathogenic.

Revvity Omics, Revvity
Classification: Pathogenic. Last evaluated: 2024-06-26. Review status: criteria provided, single submitter. Criteria: ACMG Guidelines, 2015. Collection method: clinical testing. Allele origin: germline.

Eurofins Ntd Llc (ga)
Classification: Pathogenic. Last evaluated: 2013-09-12. Review status: criteria provided, single submitter. Criteria: EGL Classification Definitions 2015. Collection method: clinical testing. Allele origin: germline. Observed: 1 variant allele, 1 heterozygote.

Literature cited by the submitters: PubMed 31443951 (cited by Women's Health and Genetics/Laboratory Corporation of America, LabCorp); PubMed 16770791 (cited by Labcorp Genetics (formerly Invitae), Labcorp); PubMed 25007885 (cited by Labcorp Genetics (formerly Invitae), Labcorp); PubMed 17726484 (cited by Labcorp Genetics (formerly Invitae), Labcorp and Eurofins Ntd Llc (ga)).